The following is an entry in ClinVar:

NM_001386823.1(B3GALT9):c.240del (p.Lys82fs)

Gene: B3GALT9 (beta-1,3-galactosyltransferase 9; plus strand). Cytogenetic location: 9q33.2.
Variant type: Deletion.
Coding change: c.240del on transcript NM_001386823.1 (MANE Select); coding-DNA position 240, one base deleted (A; older notation c.240delA).
Protein change: p.Lys82fs; shifts the reading frame from lysine 82.
Molecular consequence: frameshift variant. On other transcripts: non-coding transcript variant (1).
Genome position (GRCh38, 1-based): chr9:120,798,808, A deleted; the last of 3 consecutive A bases (chr9:120,798,806-120,798,808); deleting any one gives the same sequence. VCF-style (leftmost placement, unchanged base first): chr9-120798805-TA-T. GRCh37 (hg19) VCF-style: chr9-123561083-TA-T.
Other names: short protein forms K82fs.
Identifiers: ClinVar variation 2659469 (VCV002659469.25), dbSNP rs146775046, ClinGen allele CA199334818.

ClinVar aggregate classification (germline): Conflicting classifications of pathogenicity. Review status: criteria provided, conflicting classifications (1 of 4 stars). 2 submissions from 2 submitters: Uncertain significance (1); Benign (1). Last evaluated 2023-06-23.

Submissions (2):

Department of Pathology and Laboratory Medicine, Sinai Health System
Classification: Uncertain significance. Last evaluated: 2023-06-23. Review status: criteria provided, single submitter. Criteria: ACMG Guidelines, 2015. Collection method: research. Allele origin: germline.

CeGaT Center for Human Genetics Tuebingen
Classification: Benign. Last evaluated: 2022-09-01. Review status: criteria provided, single submitter. Criteria: CeGaT Center For Human Genetics Tuebingen Variant Classification Criteria Version 2. Collection method: clinical testing. Allele origin: germline. Affected: yes. Observed: 1 variant allele.
Comment: B3GALT9: BS1, BS2